The following is an entry in ClinVar:

NM_002860.4(ALDH18A1):c.158_159del (p.Leu53fs)

Gene: ALDH18A1 (aldehyde dehydrogenase 18 family member A1; minus strand). Cytogenetic location: 10q24.1.
Variant type: Deletion.
Coding change: c.158_159del on transcript NM_002860.4 (MANE Select); coding-DNA positions 158 to 159, 2 bases deleted (TC; older notation c.158_159delTC).
Protein change: p.Leu53fs; shifts the reading frame from leucine 53.
Molecular consequence: frameshift variant. On other transcripts: intron variant (4).
Genome position (GRCh38, 1-based): chr10:95,643,136-95,643,137, GA deleted on the plus strand (TC on the coding strand, the reverse complement: ALDH18A1 is on the minus strand); deleting any 2 consecutive bases within chr10:95,643,136-95,643,138 gives the same sequence; the c. name uses the placement nearest the transcript's 3' end. VCF-style (leftmost placement, unchanged base first): chr10-95643135-TGA-T. GRCh37 (hg19) VCF-style: chr10-97402892-TGA-T.
Other names: c.-30-5701_-30-5700del (NM_001323416.2, NM_001323412.2, NM_001323418.2); c.158_159del, p.Leu53fs (NM_001017423.2, NM_001323413.2, NM_001323414.2 and 2 more transcripts); c.-78-9488_-78-9487del (NM_001323419.2); short protein forms L53fs.
Identifiers: ClinVar variation 5042016 (VCV005042016.1).

ClinVar aggregate classification (germline): Pathogenic (1 of 4 stars; one submission).

Conditions:
ALDH18A1-related de Barsy syndrome. Also called: DE BARSY SYNDROME A; Cutis laxa, autosomal recessive IIIA. Identifiers: Orphanet 2962, Orphanet 35664, MedGen C5234852, MONDO:0009053, OMIM 219150.

Submission:

Clinical Genetics Laboratory, University Hospital Schleswig-Holstein
Classification: Pathogenic for ALDH18A1-related de Barsy syndrome. Last evaluated: 2026-02-13. Review status: criteria provided, single submitter. Criteria: ACMG Guidelines, 2015. Collection method: clinical testing. Allele origin: paternal. Affected: yes. Observed: 1 compound heterozygote.
Comment: ACMG criteria applied: PM2, PVS1, PP4

Literature cited by the submitters: PubMed 32017139.